The following is an entry in ClinVar:

ClinVar aggregate classification (germline): Uncertain significance (1 of 4 stars; one submission).

Conditions:
Familial thoracic aortic aneurysm and aortic dissection (TAAD). Also called: Thoracic aortic aneurysms and dissections. Identifiers: Orphanet 91387, MedGen C4707243, MONDO:0019625.

gnomAD v4.1: 1 of 1,614,192 alleles (0.000062%); highest among the groups gnomAD compares: Middle Eastern, 0.016%; no homozygotes.

Submission:

All of Us Research Program, National Institutes of Health
Classification: Uncertain significance for Familial thoracic aortic aneurysm and aortic dissection. Last evaluated: 2024-02-22. Review status: criteria provided, single submitter. Criteria: ACMG Guidelines, 2015. Collection method: clinical testing. Allele origin: germline. Inheritance: Autosomal dominant inheritance. Observed: 1 variant allele, 1 heterozygote.
Comment: This missense variant replaces methionine with leucine at codon 656 of the MYH11 protein. Computational prediction suggests that this variant may have deleterious impact on protein structure and function (internally defined REVEL score threshold >= 0.7, PMID: 27666373). To our knowledge, functional studies have not been reported for this variant. This variant has not been reported in individuals affected with MYH11-related disorders in the literature. This variant has not been identified in the general population by the Genome Aggregation Database (gnomAD). The available evidence is insufficient to determine the role of this variant in disease conclusively. Therefore, this variant is classified as a Variant of Uncertain Significance.

This study involves interpretation of variants in research participants for the purpose of population health screening. Participant phenotype was not available at the time of variant classification. Additional details can be found in publication PMID: 35346344, PMCID: PMC8962531

NM_002474.3(MYH11):c.1945A>T (p.Met649Leu)

Gene: MYH11 (myosin heavy chain 11; minus strand). Cytogenetic location: 16p13.11.
Variant type: single nucleotide variant.
Coding change: c.1945A>T on transcript NM_002474.3 (MANE Select); coding-DNA position 1945, A replaced by T.
Protein change: p.Met649Leu; replaces methionine 649 with leucine.
Molecular consequence: missense variant.
Genome position (GRCh38, 1-based): chr16:15,750,251, T>A on the plus strand (A>T on the coding strand, the complement: MYH11 is on the minus strand). VCF-style: chr16-15750251-T-A. GRCh37 (hg19) VCF-style: chr16-15844108-T-A.
Other names: c.1966A>T, p.Met656Leu (NM_001040113.2, NM_001040114.2); c.1945A>T, p.Met649Leu (NM_022844.3); short protein forms M649L, M656L.
Identifiers: ClinVar variation 3387227 (VCV003387227.1).